The following is an entry in ClinVar:

ClinVar aggregate classification (germline): Likely pathogenic. Review status: criteria provided, multiple submitters, no conflicts (2 of 4 stars). 2 submissions from 2 submitters: Likely pathogenic (2). Last evaluated 2023-07-07.

Conditions:
Brain small vessel disease 1 with or without ocular anomalies (BSVD1). Also called: PORENCEPHALY, TYPE 1, AUTOSOMAL DOMINANT; GOULD SYNDROME 1; BRAIN SMALL VESSEL DISEASE WITH HEMORRHAGE; Brain small vessel disease with or without ocular anomalies. Identifiers: Orphanet 2940, Orphanet 36383, Orphanet 99810, MedGen C4755307, MONDO:0008289, OMIM 175780.

Submissions (2):

Molecular Genetics, Royal Melbourne Hospital
Classification: Likely pathogenic for Brain small vessel disease 1 with or without ocular anomalies. Last evaluated: 2023-07-07. Review status: criteria provided, single submitter. Criteria: ACMG Guidelines, 2015. Collection method: clinical testing. Allele origin: germline. Affected: yes.
Comment: This sequence change in COL4A1 is predicted to replace glycine with glutamic acid at codon 1248, p.(Gly1248Glu). The glycine residue is highly conserved (86/87 vertebrates, UCSC), and alters a critical glycine residue in a collagen triple helix repeat (Gly-X-Y) in the collagenous domain (PMID: 8218237). There is a moderate physicochemical difference between glycine and glutamic acid. This variant is absent from the population database gnomAD v2.1 and v3.1. This variant has been identified as a de novo occurrence with unconfirmed parental relationships in an individual with a phenotype consistent with COL4A1-related disorders (Royal Melbourne Hospital). Computational evidence predicts a deleterious effect for the missense substitution (REVEL=0.994). Based on the classification scheme RMH Modified ACMG Guidelines v1.6.1, this variant is classified as a LIKELY PATHOGENIC. Following criteria are met: PM1, PP3_Moderate, PM2_Supporting, PM6_Supporting.

Labcorp Genetics (formerly Invitae), Labcorp
Classification: Likely pathogenic. Last evaluated: 2021-09-20. Review status: criteria provided, single submitter. Criteria: Invitae Variant Classification Sherloc (09022015). Collection method: clinical testing. Allele origin: germline.
Comment: In summary, the currently available evidence indicates that the variant is pathogenic, but additional data are needed to prove that conclusively. Therefore, this variant has been classified as Likely Pathogenic. This variant disrupts the triple helix domain of COL4A1. Glycine residues within the Gly-Xaa-Yaa repeats of the triple helix domain are required for the structure and stability of fibrillar collagens (PMID: 7695699, 8218237, 19344236). In COL4A1 variants affecting these glycine residues are significantly enriched in individuals with disease (PMID: 9016532, 17078022) compared to the general population (ExAC). Algorithms developed to predict the effect of sequence changes on RNA splicing suggest that this variant may disrupt the consensus splice site. Algorithms developed to predict the effect of missense changes on protein structure and function (SIFT, PolyPhen-2, Align-GVGD) all suggest that this variant is likely to be disruptive. This variant has not been reported in the literature in individuals affected with COL4A1-related conditions. This variant is not present in population databases (ExAC no frequency). This sequence change replaces glycine with glutamic acid at codon 1248 of the COL4A1 protein (p.Gly1248Glu). The glycine residue is highly conserved and there is a moderate physicochemical difference between glycine and glutamic acid.

Literature cited by the submitters: PubMed 8218237 (cited by Molecular Genetics, Royal Melbourne Hospital and Labcorp Genetics (formerly Invitae), Labcorp); PubMed 7695699 (cited by Labcorp Genetics (formerly Invitae), Labcorp); PubMed 19344236 (cited by Labcorp Genetics (formerly Invitae), Labcorp); PubMed 9016532 (cited by Labcorp Genetics (formerly Invitae), Labcorp); PubMed 17078022 (cited by Labcorp Genetics (formerly Invitae), Labcorp).

NM_001845.6(COL4A1):c.3743G>A (p.Gly1248Glu)

Gene: COL4A1 (collagen type IV alpha 1 chain; minus strand). Cytogenetic location: 13q34.
Variant type: single nucleotide variant.
Coding change: c.3743G>A on transcript NM_001845.6 (MANE Select); coding-DNA position 3743, G replaced by A.
Protein change: p.Gly1248Glu; replaces glycine 1248 with glutamic acid.
Molecular consequence: missense variant.
Genome position (GRCh38, 1-based): chr13:110,169,762, C>T on the plus strand (G>A on the coding strand, the complement: COL4A1 is on the minus strand). VCF-style: chr13-110169762-C-T. GRCh37 (hg19) VCF-style: chr13-110822109-C-T.
Other names: short protein forms G1248E.
Identifiers: ClinVar variation 1492178 (VCV001492178.7), dbSNP rs2139154591, ClinGen allele CA388662101.